The following is an entry in ClinVar:

ClinVar aggregate classification (germline): Benign/Likely benign. Review status: criteria provided, multiple submitters, no conflicts (2 of 4 stars). 6 submissions from 6 submitters: Benign (5); Likely benign (1). Last evaluated 2026-01-28.

Conditions:
Glycogen storage disease IXd (GSD9D). Also called: Muscle Phosphorylase Kinase Deficiency; GSD IXd. Identifiers: Orphanet 715, MedGen C1845151, MONDO:0010362, OMIM 300559.

Allele frequency attached by ClinVar (database versions not stated): gnomAD exomes 0.00043 and 0.00124; ExAC 0.00162; gnomAD 0.00375 and 0.00383; TOPMed 0.00450; ESP Exome Variant Server 0.00502; 1000 Genomes Project 30x 0.00624; 1000 Genomes Project 0.00636.
gnomAD v4.1: 896 of 1,182,800 alleles (0.076%); highest among the groups gnomAD compares: African/African-American, 1.4%; 2 homozygotes.

Submissions (6):

Labcorp Genetics (formerly Invitae), Labcorp
Classification: Benign for Glycogen storage disease IXd. Last evaluated: 2026-01-28. Review status: criteria provided, single submitter. Criteria: Invitae Variant Classification Sherloc (09022015). Collection method: clinical testing. Allele origin: germline.

ARUP Laboratories, Molecular Genetics and Genomics, ARUP Laboratories
Classification: Benign for Glycogen storage disease IXd. Last evaluated: 2024-06-25. Review status: criteria provided, single submitter. Criteria: ARUP Molecular Germline Variant Investigation Process 2024. Collection method: clinical testing. Allele origin: germline.

Blueprint Genetics
Classification: Likely benign. Last evaluated: 2024-02-09. Review status: criteria provided, single submitter. Criteria: ACMG Guidelines, 2015. Collection method: clinical testing. Allele origin: germline.

Illumina Laboratory Services, Illumina
Classification: Benign for Glycogen storage disease IXd. Last evaluated: 2018-01-12. Review status: criteria provided, single submitter. Criteria: ICSL Variant Classification Criteria 13 December 2019. Collection method: clinical testing. Allele origin: germline.
Comment: This variant was observed in the ICSL laboratory as part of a predisposition screen in an ostensibly healthy population. It had not been previously curated by ICSL or reported in the Human Gene Mutation Database (HGMD: prior to June 1st, 2018), and was therefore a candidate for classification through an automated scoring system. Utilizing variant allele frequency, disease prevalence and penetrance estimates, and inheritance mode, an automated score was calculated to assess if this variant is too frequent to cause the disease. Based on the score and internal cut-off values, a variant classified as benign is not then subjected to further curation. The score for this variant resulted in a classification of benign for this disease.

GeneDx
Classification: Benign. Last evaluated: 2017-06-20. Review status: criteria provided, single submitter. Criteria: GeneDx Variant Classification (06012015). Collection method: clinical testing. Allele origin: germline. Affected: yes.
Comment: This variant is considered likely benign or benign based on one or more of the following criteria: it is a conservative change, it occurs at a poorly conserved position in the protein, it is predicted to be benign by multiple in silico algorithms, and/or has population frequency not consistent with disease.

Breakthrough Genomics
Classification: Benign. Review status: criteria provided, single submitter. Criteria: ACMG Guidelines, 2015. Collection method: not provided. Allele origin: germline. Inheritance: X-linked inheritance. Affected: yes.

NM_002637.4(PHKA1):c.492C>T (p.Phe164=)

Gene: PHKA1 (phosphorylase kinase regulatory subunit alpha 1; minus strand). Cytogenetic location: Xq13.1.
Variant type: single nucleotide variant.
Coding change: c.492C>T on transcript NM_002637.4 (MANE Select); coding-DNA position 492, C replaced by T.
Protein change: p.Phe164=; no amino-acid change (phenylalanine 164 retained).
Molecular consequence: synonymous variant.
Genome position (GRCh38, 1-based): chrX:72,684,543, G>A on the plus strand (C>T on the coding strand, the complement: PHKA1 is on the minus strand). VCF-style: chrX-72684543-G-A. GRCh37 (hg19) VCF-style: chrX-71904393-G-A.
Other names: c.492C>T, p.Phe164= (NM_001122670.2, NM_001172436.2).
Identifiers: ClinVar variation 368652 (VCV000368652.18), dbSNP rs149354112, ClinGen allele CA10451051.